The following is an entry in ClinVar:

ClinVar aggregate classification (germline): Uncertain significance (1 of 4 stars; one submission).

Conditions:
Cardiovascular phenotype. Identifiers: MedGen CN230736.

gnomAD v4.1: 1 of 1,547,674 alleles (0.000065%); highest among the groups gnomAD compares: Non-Finnish European, 0.000087%; no homozygotes.

Submission:

Ambry Genetics
Classification: Uncertain significance for Cardiovascular phenotype. Last evaluated: 2025-01-28. Review status: criteria provided, single submitter. Criteria: Ambry Variant Classification Scheme 2023. Collection method: clinical testing. Allele origin: germline.
Comment: The p.D2979Y variant (also known as c.8935G>T), located in coding exon 2 of the ZNF469 gene, results from a G to T substitution at nucleotide position 8935. The aspartic acid at codon 2979 is replaced by tyrosine, an amino acid with highly dissimilar properties. This amino acid position is conserved. In addition, this alteration is predicted to be tolerated by in silico analysis. Since supporting evidence is limited at this time, the clinical significance of this alteration remains unclear.

NM_001367624.2(ZNF469):c.9019G>T (p.Asp3007Tyr)

Gene: ZNF469 (zinc finger protein 469; plus strand). Cytogenetic location: 16q24.2.
Variant type: single nucleotide variant.
Coding change: c.9019G>T on transcript NM_001367624.2 (MANE Select); coding-DNA position 9019, G replaced by T.
Protein change: p.Asp3007Tyr; replaces aspartic acid 3007 with tyrosine.
Molecular consequence: missense variant.
Genome position (GRCh38, 1-based): chr16:88,436,489, G>T. VCF-style: chr16-88436489-G-T. GRCh37 (hg19) VCF-style: chr16-88502897-G-T.
Other names: NM_001127464.1:c.8935G>T; short protein forms D3007Y.
Identifiers: ClinVar variation 1765166 (VCV001765166.3), dbSNP rs886881362, ClinGen allele CA397120247.